The following is an entry in ClinVar:

ClinVar aggregate classification (germline): Likely benign. Review status: criteria provided, multiple submitters, no conflicts (2 of 4 stars). 8 submissions from 8 submitters: Likely benign (6). 2 of the submissions do not count toward it. Last evaluated 2026-01-17.

Conditions:
ATM-related disorder. Also called: ATM-related disorders; ATM-related condition.
Hereditary cancer-predisposing syndrome. Also called: Hereditary neoplastic syndrome; Tumor predisposition; Neoplastic Syndromes, Hereditary; Hereditary Cancer Syndrome. Identifiers: Orphanet 140162, MedGen C0027672, MeSH D009386, MONDO:0015356.
Familial cancer of breast. Also called: Hereditary breast cancer; BREAST CANCER, FAMILIAL; hereditary breast carcinoma. Identifiers: Orphanet 227535, MedGen C0346153, MONDO:0016419, OMIM 114480. Disease mechanism: loss of function.
Ataxia-telangiectasia syndrome (AT). Also called: LOUIS-BAR SYNDROME; ATAXIA-TELANGIECTASIA, COMPLEMENTATION GROUP A; ATAXIA-TELANGIECTASIA, FRESNO VARIANT; Ataxia-telangiectasia; Ataxia telangiectasia (A-T); Cerebello-oculocutaneous telangiectasia. Identifiers: Orphanet 100, MedGen C0004135, MONDO:0008840, OMIM 208900.

Allele frequency attached by ClinVar (database versions not stated): gnomAD 0.00003 and 0.00002; gnomAD exomes 0.00003 and 0.00002; TOPMed 0.00002; ExAC 0.00005; ESP Exome Variant Server 0.00008.
gnomAD v4.1: 36 of 1,612,020 alleles (0.0022%); highest among the groups gnomAD compares: South Asian, 0.0099%; no homozygotes.

Submissions (8):

Labcorp Genetics (formerly Invitae), Labcorp
Classification: Likely benign for Ataxia-telangiectasia syndrome. Last evaluated: 2026-01-17. Review status: criteria provided, single submitter. Criteria: Invitae Variant Classification Sherloc (09022015). Collection method: clinical testing. Allele origin: germline.

Women's Health and Genetics/Laboratory Corporation of America, LabCorp
Classification: Likely benign. Last evaluated: 2025-04-16. Review status: criteria provided, single submitter. Criteria: LabCorp Variant Classification Summary - May 2015. Collection method: clinical testing. Allele origin: germline.
Comment: Variant summary: ATM c.4437-7A>G alters a nucleotide located at a position not widely known to affect splicing. Consensus agreement among computation tools predict no significant impact on normal splicing. However, these predictions have yet to be confirmed by functional studies. The variant allele was found at a frequency of 3.2e-05 in 250876 control chromosomes. The available data on variant occurrences in the general population are insufficient to allow any conclusion about variant significance. c.4437-7A>G has been observed in individual(s) affected with Breast Cancer, without strong evidence for causality (e.g. Bernstein_2010). This report does not provide unequivocal conclusions about association of the variant with Breast Cancer. To our knowledge, no experimental evidence demonstrating an impact on protein function has been reported. The following publication has been ascertained in the context of this evaluation (PMID: 20305132). ClinVar contains an entry for this variant (Variation ID: 382191). Based on the evidence outlined above, the variant was classified as likely benign.

Quest Diagnostics Nichols Institute San Juan Capistrano
Classification: Likely benign. Last evaluated: 2024-12-13. Review status: criteria provided, single submitter. Criteria: Quest Diagnostics criteria. Collection method: clinical testing. Allele origin: unknown.

Myriad Genetics, Inc.
Classification: Likely benign for Familial cancer of breast. Last evaluated: 2024-05-17. Review status: criteria provided, single submitter. Criteria: Myriad Autosomal Dominant, Autosomal Recessive and X-Linked Classification Criteria (2023). Collection method: clinical testing. Allele origin: unknown.
Comment: This variant is considered likely benign. This variant is intronic and is not expected to impact mRNA splicing.

GeneDx
Classification: Likely benign. Last evaluated: 2020-01-08. Review status: criteria provided, single submitter. Criteria: GeneDx Variant Classification Process June 2021. Collection method: clinical testing. Allele origin: germline. Affected: yes.
Comment: This variant is associated with the following publications: (PMID: 28779002)

Color Diagnostics, LLC DBA Color Health
Classification: Likely benign for Hereditary cancer-predisposing syndrome. Last evaluated: 2015-07-20. Review status: criteria provided, single submitter. Criteria: ACMG Guidelines, 2015. Collection method: clinical testing. Allele origin: germline.

PreventionGenetics, part of Exact Sciences
Classification: Likely benign for ATM-related condition. Last evaluated: 2020-04-03. Review status: no assertion criteria provided. Collection method: clinical testing. Allele origin: germline. Not counted in ClinVar's aggregate classification.
Comment: This variant is classified as likely benign based on ACMG/AMP sequence variant interpretation guidelines (Richards et al. 2015 PMID: 25741868, with internal and published modifications).

Counsyl
Classification: Uncertain significance for Ataxia-telangiectasia syndrome. Last evaluated: 2018-03-19. Review status: no assertion criteria provided. Collection method: clinical testing. Allele origin: unknown. Not counted in ClinVar's aggregate classification.

Literature cited by the submitters: PubMed 20305132 (cited by Women's Health and Genetics/Laboratory Corporation of America, LabCorp).

NM_000051.4(ATM):c.4437-7A>G

Gene: ATM (ATM serine/threonine kinase; plus strand). Cytogenetic location: 11q22.3.
Variant type: single nucleotide variant.
Coding change: c.4437-7A>G on transcript NM_000051.4 (MANE Select); 7 bases into the intron before coding-DNA position 4437, A replaced by G.
Molecular consequence: intron variant.
Genome position (GRCh38, 1-based): chr11:108,292,612, A>G. VCF-style: chr11-108292612-A-G. GRCh37 (hg19) VCF-style: chr11-108163339-A-G.
Other names: c.4437-7A>G (NM_001351834.2).
Identifiers: ClinVar variation 382191 (VCV000382191.23), dbSNP rs370354306, ClinGen allele CA6265474.